The following is an entry in ClinVar:

ClinVar aggregate classification (germline): Uncertain significance (1 of 4 stars; one submission).

Conditions:
Long QT syndrome (LQTS). Identifiers: MedGen C0023976, MeSH D008133, MONDO:0002442. Disease mechanism: loss of function. Inheritance: Various modes of inheritance.

Submission:

Labcorp Genetics (formerly Invitae), Labcorp
Classification: Uncertain significance for Long QT syndrome. Last evaluated: 2020-02-20. Review status: criteria provided, single submitter. Criteria: Invitae Variant Classification Sherloc (09022015). Collection method: clinical testing. Allele origin: germline.
Comment: This variant has not been reported in the literature in individuals with CACNA1C-related conditions. This variant is not present in population databases (ExAC no frequency). This sequence change replaces methionine with valine at codon 353 of the CACNA1C protein (p.Met353Val). The methionine residue is highly conserved and there is a small physicochemical difference between methionine and valine. Algorithms developed to predict the effect of missense changes on protein structure and function are either unavailable or do not agree on the potential impact of this missense change (SIFT: "Deleterious"; PolyPhen-2: "Probably Damaging"; Align-GVGD: "Class C0"). In summary, the available evidence is currently insufficient to determine the role of this variant in disease. Therefore, it has been classified as a Variant of Uncertain Significance.

NM_000719.7(CACNA1C):c.1057A>G (p.Met353Val)

Gene: CACNA1C (calcium voltage-gated channel subunit alpha1 C; plus strand). Cytogenetic location: 12p13.33.
Variant type: single nucleotide variant.
Coding change: c.1057A>G on transcript NM_000719.7 (MANE Select); coding-DNA position 1057, A replaced by G.
Protein change: p.Met353Val; replaces methionine 353 with valine.
Molecular consequence: missense variant.
Genome position (GRCh38, 1-based): chr12:2,493,330, A>G. VCF-style: chr12-2493330-A-G. GRCh37 (hg19) VCF-style: chr12-2602496-A-G.
Other names: c.1057A>G, p.Met353Val (NM_001129827.2, NM_001129829.2, NM_001129830.3 and 18 more transcripts); c.1048A>G, p.Met350Val (NM_001129844.2); short protein forms M350V, M353V.
Identifiers: ClinVar variation 1055891 (VCV001055891.10), dbSNP rs2154571844, ClinGen allele CA383369932.